The following is an entry in ClinVar:

NM_016507.4(CDK12):c.1885C>G (p.Pro629Ala)

Gene: CDK12 (cyclin dependent kinase 12; plus strand). Cytogenetic location: 17q12.
Variant type: single nucleotide variant.
Coding change: c.1885C>G on transcript NM_016507.4 (MANE Select); coding-DNA position 1885, C replaced by G.
Protein change: p.Pro629Ala; replaces proline 629 with alanine.
Molecular consequence: missense variant.
Genome position (GRCh38, 1-based): chr17:39,471,717, C>G. VCF-style: chr17-39471717-C-G. GRCh37 (hg19) VCF-style: chr17-37627970-C-G.
Other names: c.1885C>G, p.Pro629Ala (NM_015083.4); short protein forms P629A.
Identifiers: ClinVar variation 4651380 (VCV004651380.1).
Genomic context (GRCh38, chr17:39,471,717, plus strand): 5'-GTGAAGACTCAAGTATCTGTAACAGCTGCTATTCCACACCTGAAAACTTCAACGTTGCCT[C>G]CTTTGCCCCTCCCACCCTTATTACCTGGAGATGATGACATGGATAGGTAAGTCCTATAGT-3'
Protein context (NP_057591.2, residues 619-639): IPHLKTSTLP[Pro629Ala]LPLPPLLPGD

ClinVar aggregate classification (germline): Uncertain significance (1 of 4 stars; one submission).

gnomAD v4.1: 1 of 1,613,968 alleles (0.000062%); highest among the groups gnomAD compares: African/African-American, 0.0013%; no homozygotes.

Submission:

Ambry Genetics
Classification: Uncertain significance. Last evaluated: 2025-10-15. Review status: criteria provided, single submitter. Criteria: Ambry Variant Classification Scheme 2023. Collection method: clinical testing. Allele origin: germline.
Comment: The p.P629A variant (also known as c.1885C>G), located in coding exon 2 of the CDK12 gene, results from a C to G substitution at nucleotide position 1885. The proline at codon 629 is replaced by alanine, an amino acid with highly similar properties. This amino acid position is conserved. In addition, this alteration is predicted to be tolerated by in silico analysis. Based on the available evidence, the clinical significance of this variant remains unclear.